The following is an entry in ClinVar:

ClinVar aggregate classification (germline): Uncertain significance. Review status: criteria provided, multiple submitters, no conflicts (2 of 4 stars). 7 submissions from 7 submitters: Uncertain significance (7). Last evaluated 2026-01-20.

Conditions:
MET-related disorder. Also called: MET-related condition.
Renal cell carcinoma. Identifiers: Orphanet 217071, MedGen C0007134, MeSH D002292, MONDO:0005086, HP:0005584.
Hereditary papillary renal cell carcinoma. Identifiers: Orphanet 47044, MedGen C0879257, MONDO:0003789.
Autosomal recessive nonsyndromic hearing loss 97. Also called: Deafness, autosomal recessive 97. Identifiers: Orphanet 90636, MedGen C4084709, MONDO:0014739, OMIM 616705.
Hereditary cancer-predisposing syndrome. Also called: Tumor predisposition; Hereditary neoplastic syndrome; Neoplastic Syndromes, Hereditary; Hereditary Cancer Syndrome. Identifiers: Orphanet 140162, MedGen C0027672, MeSH D009386, MONDO:0015356.

Allele frequency attached by ClinVar (database versions not stated): ExAC 0.00001; gnomAD 0.00001; gnomAD exomes 0.00001 and 0.00002; TOPMed 0.00001.
gnomAD v4.1: 31 of 1,614,054 alleles (0.0019%); highest among the groups gnomAD compares: Non-Finnish European, 0.0026%; no homozygotes.

Submissions (7):

PreventionGenetics, part of Exact Sciences
Classification: Uncertain significance for MET-related condition. Last evaluated: 2026-01-20. Review status: criteria provided, single submitter. Criteria: ACMG Guidelines, 2015. Collection method: clinical testing. Allele origin: germline.
Comment: The MET c.4051C>G variant is predicted to result in the amino acid substitution p.Leu1351Val. To our knowledge, this variant has not been reported in the literature. This variant is reported in 0.0027% of alleles in individuals of European (Non-Finnish) descent in gnomAD and is interpreted as a variant of uncertain significance in ClinVar (Variation ID: 454250). At this time, the clinical significance of this variant is uncertain due to the absence of conclusive functional and genetic evidence.

Labcorp Genetics (formerly Invitae), Labcorp
Classification: Uncertain significance for Renal cell carcinoma. Last evaluated: 2026-01-17. Review status: criteria provided, single submitter. Criteria: Invitae Variant Classification Sherloc (09022015). Collection method: clinical testing. Allele origin: germline.
Comment: This sequence change replaces leucine, which is neutral and non-polar, with valine, which is neutral and non-polar, at codon 1351 of the MET protein (p.Leu1351Val). This variant is present in population databases (rs758738756, gnomAD 0.003%). This missense change has been observed in individual(s) with renal cell carcinoma (PMID: 37086329). ClinVar contains an entry for this variant (Variation ID: 454250). Invitae Evidence Modeling of protein sequence and biophysical properties (such as structural, functional, and spatial information, amino acid conservation, physicochemical variation, residue mobility, and thermodynamic stability) indicates that this missense variant is not expected to disrupt MET protein function with a negative predictive value of 80%. In summary, the available evidence is currently insufficient to determine the role of this variant in disease. Therefore, it has been classified as a Variant of Uncertain Significance.

Quest Diagnostics Nichols Institute San Juan Capistrano
Classification: Uncertain significance. Last evaluated: 2025-08-13. Review status: criteria provided, single submitter. Criteria: Quest Diagnostics criteria. Collection method: clinical testing. Allele origin: unknown.

Ambry Genetics
Classification: Uncertain significance for Hereditary cancer-predisposing syndrome. Last evaluated: 2025-06-20. Review status: criteria provided, single submitter. Criteria: Ambry Variant Classification Scheme 2023. Collection method: clinical testing. Allele origin: germline.
Comment: The p.L1351V variant (also known as c.4051C>G), located in coding exon 20 of the MET gene, results from a C to G substitution at nucleotide position 4051. The leucine at codon 1351 is replaced by valine, an amino acid with highly similar properties. This amino acid position is highly conserved in available vertebrate species. In addition, this alteration is predicted to be deleterious by in silico analysis. Based on the available evidence, the clinical significance of this variant remains unclear.

Baylor Genetics
Classification: Uncertain significance for Autosomal recessive nonsyndromic hearing loss 97. Last evaluated: 2023-12-24. Review status: criteria provided, single submitter. Criteria: ACMG Guidelines, 2015. Collection method: clinical testing. Allele origin: unknown.

GeneDx
Classification: Uncertain significance. Last evaluated: 2023-08-02. Review status: criteria provided, single submitter. Criteria: GeneDx Variant Classification Process June 2021. Collection method: clinical testing. Allele origin: germline. Affected: yes.
Comment: Not observed at significant frequency in large population cohorts (gnomAD); In silico analysis supports that this missense variant has a deleterious effect on protein structure/function; Has not been previously published as pathogenic or benign to our knowledge

St. Jude Molecular Pathology, St. Jude Children's Research Hospital
Classification: Uncertain significance for Hereditary papillary renal cell carcinoma. Last evaluated: 2021-05-13. Review status: criteria provided, single submitter. Criteria: St. Jude Assertion Criteria 2020. Collection method: clinical testing. Allele origin: germline.
Comment: The MET c.4051C>G (p. Leu1351Val) missense change has a maximum frequency of 0.0027% in gnomAD v2.1.1 (PM2_supporting). Six of seven in silico tools predict a deleterious effect of this variant on protein function (PP3), but to our knowledge these predictions have not been confirmed by functional assays. To our knowledge, this variant has not been reported in individuals with HPRCC. In summary, this variant meets criteria to be classified as of uncertain significance based on the ACMG/AMP criteria: PM2_supporting, PP3.

Literature cited by the submitters: PubMed 37086329 (cited by Labcorp Genetics (formerly Invitae), Labcorp).

NM_000245.4(MET):c.3997C>G (p.Leu1333Val)

Gene: MET (MET proto-oncogene, receptor tyrosine kinase; plus strand). Cytogenetic location: 7q31.2.
Variant type: single nucleotide variant.
Coding change: c.3997C>G on transcript NM_000245.4 (MANE Select); coding-DNA position 3997, C replaced by G.
Protein change: p.Leu1333Val; replaces leucine 1333 with valine.
Molecular consequence: missense variant.
Genome position (GRCh38, 1-based): chr7:116,795,948, C>G. VCF-style: chr7-116795948-C-G. GRCh37 (hg19) VCF-style: chr7-116436002-C-G.
Other names: c.4051C>G (LRG_662t1); c.4051C>G, p.Leu1351Val (NM_001127500.3); c.2707C>G, p.Leu903Val (NM_001324402.2); short protein forms L1351V, L1333V, L903V.
Identifiers: ClinVar variation 454250 (VCV000454250.26), dbSNP rs758738756, ClinGen allele CA4448817.
Genomic context (GRCh38, chr7:116,795,948, plus strand): 5'-TATGAAGTAATGCTAAAATGCTGGCACCCTAAAGCCGAAATGCGCCCATCCTTTTCTGAA[C>G]TGGTGTCCCGGATATCAGCGATCTTCTCTACTTTCATTGGGGAGCACTATGTCCATGTGA-3'
Protein context (NP_000236.2, residues 1323-1343): KAEMRPSFSE[Leu1333Val]VSRISAIFST